The following is an entry in ClinVar:

NM_000260.4(MYO7A):c.2187+2_2187+8del

Gene: MYO7A (myosin VIIA; plus strand). Cytogenetic location: 11q13.5.
Variant type: Deletion.
Coding change: c.2187+2_2187+8del on transcript NM_000260.4 (MANE Select); the canonical splice donor site of the intron after coding-DNA position 2187 through 8 bases into the intron after coding-DNA position 2187, 7 bases deleted (TGAGCAC; older notation c.2187+2_2187+8delTGAGCAC).
Molecular consequence: splice donor variant.
Genome position (GRCh38, 1-based): chr11:77,175,466-77,175,472, TGAGCAC deleted. VCF-style (leftmost placement, unchanged base first): chr11-77175465-GTGAGCAC-G. GRCh37 (hg19) VCF-style: chr11-76886511-GTGAGCAC-G.
Other names: c.2154+2_2154+8del (NM_001369365.1); c.2187+2_2187+8del (NM_001127180.2).
Identifiers: ClinVar variation 2915463 (VCV002915463.4), dbSNP rs1416744060, ClinGen allele CA680365981.

ClinVar aggregate classification (germline): Pathogenic/Likely pathogenic. Review status: criteria provided, multiple submitters, no conflicts (2 of 4 stars). 2 submissions from 2 submitters: Pathogenic (1); Likely pathogenic (1). Last evaluated 2024-02-28.

Conditions:
Autosomal recessive nonsyndromic hearing loss 2. Also called: NEUROSENSORY NONSYNDROMIC RECESSIVE DEAFNESS 2; DEAFNESS, AUTOSOMAL RECESSIVE 2. Identifiers: Orphanet 90636, MedGen C1838701, MONDO:0010807, OMIM 600060.
Autosomal dominant nonsyndromic hearing loss 11. Identifiers: Orphanet 90635, MedGen C1832475, MONDO:0011032, OMIM 601317.
Usher syndrome type 1 (USH1). Also called: RETINITIS PIGMENTOSA AND CONGENITAL DEAFNESS. Identifiers: Orphanet 231169, Orphanet 886, MedGen C1568247, MONDO:0010168, OMIM 276900.

Allele frequency attached by ClinVar (database versions not stated): gnomAD exomes below 0.00001; gnomAD 0.00001; TOPMed 0.00001.

Submissions (2):

Fulgent Genetics
Classification: Likely pathogenic for Usher syndrome type 1; Autosomal recessive nonsyndromic hearing loss 2; Autosomal dominant nonsyndromic hearing loss 11. Last evaluated: 2024-02-28. Review status: criteria provided, single submitter. Criteria: ACMG Guidelines, 2015. Collection method: clinical testing. Allele origin: germline.

Labcorp Genetics (formerly Invitae), Labcorp
Classification: Pathogenic. Last evaluated: 2022-11-10. Review status: criteria provided, single submitter. Criteria: Invitae Variant Classification Sherloc (09022015). Collection method: clinical testing. Allele origin: germline.
Comment: Algorithms developed to predict the effect of sequence changes on RNA splicing suggest that this variant may disrupt the consensus splice site. For these reasons, this variant has been classified as Pathogenic. Disruption of this splice site has been observed in individual(s) with Usher syndrome (PMID: 29625443, 30826590). In at least one individual the data is consistent with being in trans (on the opposite chromosome) from a pathogenic variant. This variant is not present in population databases (gnomAD no frequency). This sequence change affects a splice site in intron 18 of the MYO7A gene. It is expected to disrupt RNA splicing. Variants that disrupt the donor or acceptor splice site typically lead to a loss of protein function (PMID: 16199547), and loss-of-function variants in MYO7A are known to be pathogenic (PMID: 8900236, 25404053).

Literature cited by the submitters: PubMed 29625443 (cited by Labcorp Genetics (formerly Invitae), Labcorp); PubMed 30826590 (cited by Labcorp Genetics (formerly Invitae), Labcorp); PubMed 16199547 (cited by Labcorp Genetics (formerly Invitae), Labcorp); PubMed 8900236 (cited by Labcorp Genetics (formerly Invitae), Labcorp); PubMed 25404053 (cited by Labcorp Genetics (formerly Invitae), Labcorp).